The following is an entry in ClinVar:

ClinVar aggregate classification (germline): Conflicting classifications of pathogenicity. Review status: criteria provided, conflicting classifications (1 of 4 stars). 2 submissions from 2 submitters: Uncertain significance (1); Likely benign (1). Last evaluated 2025-08-21.

Conditions:
Inborn genetic diseases. Identifiers: MedGen C0950123, MeSH D030342.

Allele frequency attached by ClinVar (database versions not stated): ExAC 0.00001; gnomAD exomes 0.00001; gnomAD 0.00002; TOPMed 0.00002.
gnomAD v4.1: 6 of 1,614,058 alleles (0.00037%); highest among the groups gnomAD compares: African/African-American, 0.0027%; no homozygotes.

Submissions (2):

Ambry Genetics
Classification: Likely benign for Inborn genetic diseases. Last evaluated: 2025-08-21. Review status: criteria provided, single submitter. Criteria: Ambry Variant Classification Scheme 2023. Collection method: clinical testing. Allele origin: germline.

Labcorp Genetics (formerly Invitae), Labcorp
Classification: Uncertain significance. Last evaluated: 2024-12-23. Review status: criteria provided, single submitter. Criteria: Invitae Variant Classification Sherloc (09022015). Collection method: clinical testing. Allele origin: germline.
Comment: This sequence change replaces proline, which is neutral and non-polar, with arginine, which is basic and polar, at codon 2988 of the KMT2A protein (p.Pro2988Arg). This variant is present in population databases (rs781872314, gnomAD 0.004%). This variant has not been reported in the literature in individuals affected with KMT2A-related conditions. ClinVar contains an entry for this variant (Variation ID: 1937559). Invitae Evidence Modeling of protein sequence and biophysical properties (such as structural, functional, and spatial information, amino acid conservation, physicochemical variation, residue mobility, and thermodynamic stability) indicates that this missense variant is not expected to disrupt KMT2A protein function with a negative predictive value of 95%. In summary, the available evidence is currently insufficient to determine the role of this variant in disease. Therefore, it has been classified as a Variant of Uncertain Significance.

NM_001197104.2(KMT2A):c.8963C>G (p.Pro2988Arg)

Gene: KMT2A (lysine methyltransferase 2A; plus strand). Cytogenetic location: 11q23.3.
Variant type: single nucleotide variant.
Coding change: c.8963C>G on transcript NM_001197104.2 (MANE Select); coding-DNA position 8963, C replaced by G.
Protein change: p.Pro2988Arg; replaces proline 2988 with arginine.
Molecular consequence: missense variant.
Genome position (GRCh38, 1-based): chr11:118,504,855, C>G. VCF-style: chr11-118504855-C-G. GRCh37 (hg19) VCF-style: chr11-118375570-C-G.
Other names: c.9053C>G, p.Pro3018Arg (NM_001412597.1); c.8954C>G, p.Pro2985Arg (NM_005933.4); short protein forms P3018R, P2988R, P2985R.
Identifiers: ClinVar variation 1937559 (VCV001937559.5), dbSNP rs781872314, ClinGen allele CA6304539.